The following is an entry in ClinVar:

NM_015015.3(KDM4B):c.2759C>T (p.Ser920Phe)

Gene: KDM4B (lysine demethylase 4B; plus strand). Cytogenetic location: 19p13.3.
Variant type: single nucleotide variant.
Coding change: c.2759C>T on transcript NM_015015.3 (MANE Select); coding-DNA position 2759, C replaced by T.
Protein change: p.Ser920Phe; replaces serine 920 with phenylalanine.
Molecular consequence: missense variant.
Genome position (GRCh38, 1-based): chr19:5,144,270, C>T. VCF-style: chr19-5144270-C-T. GRCh37 (hg19) VCF-style: chr19-5144281-C-T.
Other names: c.2861C>T, p.Ser954Phe (NM_001411148.1); short protein forms S954F, S920F.
Identifiers: ClinVar variation 3287907 (VCV003287907.2).
Genomic context (GRCh38, chr19:5,144,270, plus strand): 5'-CGCGCTGACCGCCCCCCACACCCTCCGCACCCTCCCAGGTCCAACTCCTGAGGGCCGTGT[C>T]CCTAGGCCAGGTGGTCATCACCAAGAACCGCAACGGGCTGTACTACCGCTGTCGCGTCAT-3'
Protein context (NP_055830.1, residues 910-930): GHAVQLLRAV[Ser920Phe]LGQVVITKNR

ClinVar aggregate classification (germline): Conflicting classifications of pathogenicity. Review status: criteria provided, conflicting classifications (1 of 4 stars). 2 submissions from 2 submitters: Uncertain significance (1); Likely benign (1). Last evaluated 2026-07-01.

Conditions:
Inborn genetic diseases. Identifiers: MedGen C0950123, MeSH D030342.

gnomAD v4.1: 48 of 1,598,334 alleles (0.003%); highest among the groups gnomAD compares: Admixed American, 0.079%; no homozygotes.

Submissions (2):

CeGaT Center for Human Genetics Tuebingen
Classification: Likely benign. Last evaluated: 2026-07-01. Review status: criteria provided, single submitter. Criteria: CeGaT Center For Human Genetics Tuebingen Variant Classification Criteria Version 2. Collection method: clinical testing. Allele origin: germline. Affected: yes. Observed: 1 variant allele.
Comment: KDM4B: BP4

Ambry Genetics
Classification: Uncertain significance for Inborn genetic diseases. Last evaluated: 2024-05-15. Review status: criteria provided, single submitter. Criteria: Ambry Variant Classification Scheme 2023. Collection method: clinical testing. Allele origin: germline.